The following is an entry in ClinVar:

ClinVar aggregate classification (germline): Uncertain significance (1 of 4 stars; one submission).

Conditions:
Nance-Horan syndrome (NHS). Identifiers: Orphanet 627, MedGen C0796085, MONDO:0010545, OMIM 302350.

gnomAD v4.1: 1 of 1,212,108 alleles (0.000083%); highest among the groups gnomAD compares: Non-Finnish European, 0.00011%; no homozygotes.

Submission:

Labcorp Genetics (formerly Invitae), Labcorp
Classification: Uncertain significance for Nance-Horan syndrome. Last evaluated: 2025-03-31. Review status: criteria provided, single submitter. Criteria: Invitae Variant Classification Sherloc (09022015). Collection method: clinical testing. Allele origin: germline.
Comment: This sequence change replaces isoleucine, which is neutral and non-polar, with valine, which is neutral and non-polar, at codon 1125 of the NHS protein (p.Ile1125Val). This variant is not present in population databases (gnomAD no frequency). This variant has not been reported in the literature in individuals affected with NHS-related conditions. Invitae Evidence Modeling of protein sequence and biophysical properties (such as structural, functional, and spatial information, amino acid conservation, physicochemical variation, residue mobility, and thermodynamic stability) indicates that this missense variant is not expected to disrupt NHS protein function with a negative predictive value of 80%. In summary, the available evidence is currently insufficient to determine the role of this variant in disease. Therefore, it has been classified as a Variant of Uncertain Significance.

NM_001291867.2(NHS):c.3436A>G (p.Ile1146Val)

Gene: NHS (NHS actin remodeling regulator; plus strand). Cytogenetic location: Xp22.13.
Variant type: single nucleotide variant.
Coding change: c.3436A>G on transcript NM_001291867.2 (MANE Select); coding-DNA position 3436, A replaced by G.
Protein change: p.Ile1146Val; replaces isoleucine 1146 with valine.
Molecular consequence: missense variant.
Genome position (GRCh38, 1-based): chrX:17,727,542, A>G. VCF-style: chrX-17727542-A-G. GRCh37 (hg19) VCF-style: chrX-17745662-A-G.
Other names: c.2905A>G, p.Ile969Val (NM_001136024.4); c.2842A>G, p.Ile948Val (NM_001291868.2); c.3097A>G, p.Ile1033Val (NM_001440780.1); c.3373A>G, p.Ile1125Val (NM_198270.4); short protein forms I1125V, I948V, I969V, I1033V, I1146V.
Identifiers: ClinVar variation 4740295 (VCV004740295.1).